The following is an entry in ClinVar:

NM_139318.5(KCNH5):c.2534A>G (p.Lys845Arg)

Gene: KCNH5 (potassium voltage-gated channel subfamily H member 5; minus strand). Cytogenetic location: 14q23.2.
Variant type: single nucleotide variant.
Coding change: c.2534A>G on transcript NM_139318.5 (MANE Select); coding-DNA position 2534, A replaced by G.
Protein change: p.Lys845Arg; replaces lysine 845 with arginine.
Molecular consequence: missense variant. On other transcripts: 3 prime UTR variant (1).
Genome position (GRCh38, 1-based): chr14:62,707,941, T>C on the plus strand (A>G on the coding strand, the complement: KCNH5 is on the minus strand). VCF-style: chr14-62707941-T-C. GRCh37 (hg19) VCF-style: chr14-63174659-T-C.
Other names: c.*501A>G (NM_172375.3); short protein forms K845R.
Identifiers: ClinVar variation 648052 (VCV000648052.11), dbSNP rs1189342324, ClinGen allele CA390100393.

ClinVar aggregate classification (germline): Uncertain significance (1 of 4 stars; one submission).

Conditions:
Early-infantile DEE. Also called: Early infantile epileptic encephalopathy with suppression bursts; Early infantile epileptic encephalopathy; Ohtahara syndrome. Identifiers: Orphanet 1934, MedGen C0393706, MONDO:0800491.

Allele frequency attached by ClinVar (database versions not stated): gnomAD exomes 0.00001; TOPMed 0.00005; gnomAD 0.00006.
gnomAD v4.1: 19 of 1,614,120 alleles (0.0012%); highest among the groups gnomAD compares: Admixed American, 0.028%; no homozygotes.

Submission:

Labcorp Genetics (formerly Invitae), Labcorp
Classification: Uncertain significance for Early-infantile DEE. Last evaluated: 2025-12-26. Review status: criteria provided, single submitter. Criteria: Invitae Variant Classification Sherloc (09022015). Collection method: clinical testing. Allele origin: germline.
Comment: This sequence change replaces lysine, which is basic and polar, with arginine, which is basic and polar, at codon 845 of the KCNH5 protein (p.Lys845Arg). This variant is present in population databases (no rsID available, gnomAD 0.009%). This variant has not been reported in the literature in individuals affected with KCNH5-related conditions. ClinVar contains an entry for this variant (Variation ID: 648052). Invitae Evidence Modeling of protein sequence and biophysical properties (such as structural, functional, and spatial information, amino acid conservation, physicochemical variation, residue mobility, and thermodynamic stability) indicates that this missense variant is not expected to disrupt KCNH5 protein function with a negative predictive value of 95%. In summary, the available evidence is currently insufficient to determine the role of this variant in disease. Therefore, it has been classified as a Variant of Uncertain Significance.